The following is an entry in ClinVar:

NC_000005.9:g.(?_80021252)_(80038537_?)del

Gene: MSH3 (mutS homolog 3; plus strand). Cytogenetic location: 5q14.1.
Variant type: Deletion.
Identifiers: ClinVar variation 3246492 (VCV003246492.1).

ClinVar aggregate classification (germline): Pathogenic (1 of 4 stars; one submission).

Submission:

Labcorp Genetics (formerly Invitae), Labcorp
Classification: Pathogenic. Last evaluated: 2023-12-01. Review status: criteria provided, single submitter. Criteria: Invitae Variant Classification Sherloc (09022015). Collection method: clinical testing. Allele origin: unknown.
Comment: This variant is a gross deletion of the genomic region encompassing exon(s) 9-11 of the MSH3 gene. This deletion is out-of-frame, and is expected to create a premature termination codon and result in an absent or disrupted protein product. Loss-of-function variants in MSH3 are known to be pathogenic (PMID: 27476653, 37402566). This variant has not been reported in the literature in individuals affected with MSH3-related conditions. For these reasons, this variant has been classified as Pathogenic.

Literature cited by the submitters: PubMed 27476653; PubMed 37402566.